The following is an entry in ClinVar:

ClinVar aggregate classification (germline): Uncertain significance (1 of 4 stars; one submission).

gnomAD v4.1: 3 of 1,211,521 alleles (0.00025%); highest among the groups gnomAD compares: East Asian, 0.003%; no homozygotes.

Submission:

GeneDx
Classification: Uncertain significance. Last evaluated: 2025-07-29. Review status: criteria provided, single submitter. Criteria: GeneDx Variant Classification Process June 2021. Collection method: clinical testing. Allele origin: germline. Affected: yes.
Comment: Not observed at significant frequency in large population cohorts (gnomAD); In silico analysis supports a deleterious effect on splicing; In silico analysis suggests that this missense variant does not alter protein structure/function; Has not been previously published as pathogenic or benign to our knowledge

NM_181672.3(OGT):c.2198G>A (p.Arg733Gln)

Gene: OGT (O-linked N-acetylglucosamine (GlcNAc) transferase; plus strand). Cytogenetic location: Xq13.1.
Variant type: single nucleotide variant.
Coding change: c.2198G>A on transcript NM_181672.3 (MANE Select); coding-DNA position 2198, G replaced by A.
Protein change: p.Arg733Gln; replaces arginine 733 with glutamine.
Molecular consequence: missense variant.
Genome position (GRCh38, 1-based): chrX:71,563,179, G>A. VCF-style: chrX-71563179-G-A. GRCh37 (hg19) VCF-style: chrX-70783029-G-A.
Other names: c.2168G>A, p.Arg723Gln (NM_181673.3); short protein forms R723Q, R733Q.
Identifiers: ClinVar variation 4689903 (VCV004689903.1).
Genomic context (GRCh38, chrX:71,563,179, plus strand): 5'-TTTTCCATTAGAAAAAAGCAGTCATCGATTTTAAGTCCAATGGGCACATTTATGACAATC[G>A]GATAGTTCTGAATGGCATCGACCTCAAAGCATTTCTTGATAGTCTACCAGATGTGAAAAT-3'
Protein context (NP_858058.1, residues 723-743): FKSNGHIYDN[Arg733Gln]IVLNGIDLKA